The following is an entry in ClinVar:

ClinVar aggregate classification (germline): Uncertain significance. Review status: criteria provided, multiple submitters, no conflicts (2 of 4 stars). 2 submissions from 2 submitters: Uncertain significance (2). Last evaluated 2023-08-30.

Conditions:
Inborn genetic diseases. Identifiers: MedGen C0950123, MeSH D030342.
Dyskeratosis congenita, autosomal dominant 6 (DKCA6). Identifiers: Orphanet 3322, MedGen C4225284, MONDO:0014690, OMIM 616553.

Allele frequency attached by ClinVar (database versions not stated): gnomAD exomes below 0.00001; ExAC 0.00001; 1000 Genomes Project 30x 0.00016; 1000 Genomes Project 0.00020.

Submissions (2):

Ambry Genetics
Classification: Uncertain significance for Inborn genetic diseases. Last evaluated: 2023-08-30. Review status: criteria provided, single submitter. Criteria: Ambry Variant Classification Scheme 2023. Collection method: clinical testing. Allele origin: germline.
Comment: The p.T307I variant (also known as c.920C>T), located in coding exon 8 of the ACD gene, results from a C to T substitution at nucleotide position 920. The threonine at codon 307 is replaced by isoleucine, an amino acid with similar properties. This amino acid position is conserved. In addition, this alteration is predicted to be tolerated by in silico analysis. Since supporting evidence is limited at this time, the clinical significance of this alteration remains unclear.

Labcorp Genetics (formerly Invitae), Labcorp
Classification: Uncertain significance for Dyskeratosis congenita, autosomal dominant 6. Last evaluated: 2023-02-24. Review status: criteria provided, single submitter. Criteria: Invitae Variant Classification Sherloc (09022015). Collection method: clinical testing. Allele origin: germline.
Comment: In summary, the available evidence is currently insufficient to determine the role of this variant in disease. Therefore, it has been classified as a Variant of Uncertain Significance. Advanced modeling of protein sequence and biophysical properties (such as structural, functional, and spatial information, amino acid conservation, physicochemical variation, residue mobility, and thermodynamic stability) performed at Invitae indicates that this missense variant is expected to disrupt ACD protein function. ClinVar contains an entry for this variant (Variation ID: 2173013). This variant has not been reported in the literature in individuals affected with ACD-related conditions. This variant is present in population databases (rs548837823, gnomAD 0.003%). This sequence change replaces threonine, which is neutral and polar, with isoleucine, which is neutral and non-polar, at codon 307 of the ACD protein (p.Thr307Ile).

NM_001082486.2(ACD):c.662C>T (p.Thr221Ile)

Gene: ACD (ACD shelterin complex subunit and telomerase recruitment factor; minus strand). Cytogenetic location: 16q22.1.
Variant type: single nucleotide variant.
Coding change: c.662C>T on transcript NM_001082486.2 (MANE Select); coding-DNA position 662, C replaced by T.
Protein change: p.Thr221Ile; replaces threonine 221 with isoleucine.
Molecular consequence: missense variant.
Genome position (GRCh38, 1-based): chr16:67,658,800, G>A on the plus strand (C>T on the coding strand, the complement: ACD is on the minus strand). VCF-style: chr16-67658800-G-A. GRCh37 (hg19) VCF-style: chr16-67692703-G-A.
Other names: c.662C>T, p.Thr221Ile (NM_001410884.1); c.653C>T, p.Thr218Ile (NM_022914.3); c.920C>T (NM_001082486.1); short protein forms T218I, T221I.
Identifiers: ClinVar variation 2173013 (VCV002173013.6), dbSNP rs548837823, ClinGen allele CA8114578.